The following is an entry in ClinVar:

ClinVar aggregate classification (germline): Uncertain significance (1 of 4 stars; one submission).

Submission:

Women's Health and Genetics/Laboratory Corporation of America, LabCorp
Classification: Uncertain significance. Last evaluated: 2025-06-23. Review status: criteria provided, single submitter. Criteria: LabCorp Variant Classification Summary - May 2015. Collection method: clinical testing. Allele origin: germline.
Comment: Variant summary: CHRNA4 c.1234delC (p.Leu412TrpfsX153) results in a premature termination codon, predicted to cause a truncation of the encoded protein or absence of the protein due to nonsense mediated decay, however current evidence is not sufficient to establish loss of function as a mechanism for disease. The variant was absent in 216104 control chromosomes (gnomAD). The available data on variant occurrences in the general population are insufficient to allow any conclusion about variant significance. To our knowledge, no occurrence of c.1234delC in individuals affected with Epilepsy, Nocturnal Frontal Lobe, Type 1 and no experimental evidence demonstrating its impact on protein function have been reported. No submitters have cited clinical-significance assessments for this variant to ClinVar. Based on the evidence outlined above, the variant was classified as uncertain significance.

NM_000744.7(CHRNA4):c.1234del (p.Leu412fs)

Gene: CHRNA4 (cholinergic receptor nicotinic alpha 4 subunit; minus strand). Cytogenetic location: 20q13.33.
Variant type: Deletion.
Coding change: c.1234del on transcript NM_000744.7 (MANE Select); coding-DNA position 1234, one base deleted (C; older notation c.1234delC).
Protein change: p.Leu412fs; shifts the reading frame from leucine 412.
Molecular consequence: frameshift variant. On other transcripts: non-coding transcript variant (1).
Genome position (GRCh38, 1-based): chr20:63,350,177, G deleted on the plus strand (C on the coding strand, the reverse complement: CHRNA4 is on the minus strand); the first of 5 consecutive G bases (chr20:63,350,177-63,350,181); deleting any one gives the same sequence. VCF-style (leftmost placement, unchanged base first): chr20-63350176-AG-A. GRCh37 (hg19) VCF-style: chr20-61981528-AG-A.
Other names: c.706del, p.Leu236fs (NM_001256573.2); c.1234delC (NM_000744.7); short protein forms L236fs, L412fs.
Identifiers: ClinVar variation 3907592 (VCV003907592.1).